The following is an entry in ClinVar:

ClinVar aggregate classification (germline): Uncertain significance (1 of 4 stars; one submission).

Conditions:
Amyotrophic lateral sclerosis type 21. Also called: VOCAL CORD AND PHARYNGEAL DYSFUNCTION WITH DISTAL MYOPATHY; MYOPATHY, DISTAL, 2. Identifiers: Orphanet 600, Orphanet 803, MedGen C3807521, MONDO:0011632, OMIM 606070.

gnomAD v4.1: 7 of 1,614,000 alleles (0.00043%); highest among the groups gnomAD compares: Non-Finnish European, 0.00051%; no homozygotes.

Submission:

Labcorp Genetics (formerly Invitae), Labcorp
Classification: Uncertain significance for Amyotrophic lateral sclerosis type 21. Last evaluated: 2025-07-22. Review status: criteria provided, single submitter. Criteria: Invitae Variant Classification Sherloc (09022015). Collection method: clinical testing. Allele origin: germline.
Comment: This sequence change replaces alanine, which is neutral and non-polar, with threonine, which is neutral and polar, at codon 272 of the MATR3 protein (p.Ala272Thr). This variant is not present in population databases (gnomAD no frequency). This variant has not been reported in the literature in individuals affected with MATR3-related conditions. ClinVar contains an entry for this variant (Variation ID: 3668870). Invitae Evidence Modeling of protein sequence and biophysical properties (such as structural, functional, and spatial information, amino acid conservation, physicochemical variation, residue mobility, and thermodynamic stability) indicates that this missense variant is not expected to disrupt MATR3 protein function with a negative predictive value of 80%. In summary, the available evidence is currently insufficient to determine the role of this variant in disease. Therefore, it has been classified as a Variant of Uncertain Significance.

NM_018834.6(MATR3):c.814G>A (p.Ala272Thr)

Gene: MATR3 (matrin 3; plus strand). Cytogenetic location: 5q31.2.
Variant type: single nucleotide variant.
Coding change: c.814G>A on transcript NM_018834.6 (MANE Select); coding-DNA position 814, G replaced by A.
Protein change: p.Ala272Thr; replaces alanine 272 with threonine.
Molecular consequence: missense variant. On other transcripts: intron variant (11).
Genome position (GRCh38, 1-based): chr5:139,308,229, G>A. VCF-style: chr5-139308229-G-A. GRCh37 (hg19) VCF-style: chr5-138643918-G-A.
Other names: c.814G>A, p.Ala272Thr (NM_001194954.2, NM_001194955.2, NM_001400441.1 and 16 more transcripts); c.52-6446G>A (NM_001400459.1); c.-102-6446G>A (NM_001400463.1, NM_001400460.1, NM_001282278.2 and 3 more transcripts); c.-40-7468G>A (NM_001400462.1, NM_001400467.1); c.13-6446G>A (NM_001400461.1); c.49-6446G>A (NM_001194956.2); short protein forms A272T.
Identifiers: ClinVar variation 3668870 (VCV003668870.2).